The following is an entry in ClinVar:

NM_007294.3(BRCA1):c.5468_*1383del

Gene: BRCA1 (BRCA1 DNA repair associated; minus strand). Cytogenetic location: 17q21.31.
Variant type: Deletion.
Coding change: c.5468_*1383del on transcript NM_007294.3; coding-DNA position 5468 through 1383 bases downstream of the stop codon, 1,508 bases deleted.
Genome position (GRCh38, 1-based): chr17:43,044,294-43,045,801, 1,508 bases deleted. GRCh37 (hg19): chr17:41,196,312-41,197,819.
Identifiers: ClinVar variation 664769 (VCV000664769.3), ClinGen allele CA915950020.

ClinVar aggregate classification (germline): Pathogenic (1 of 4 stars; one submission).

Conditions:
Hereditary breast ovarian cancer syndrome. Also called: Hereditary breast and ovarian cancer; Hereditary breast and/or ovarian cancer syndrome; Hereditary breast and ovarian cancer syndrome; BRCA1- and BRCA2-Associated Hereditary Breast and Ovarian Cancer; Hereditary breast and ovarian cancer syndrome (HBOC); Breast and ovarian cancer. Identifiers: Orphanet 145, MedGen C0677776, MeSH D061325, MONDO:0003582. Disease mechanism: loss of function.

Submission:

Labcorp Genetics (formerly Invitae), Labcorp
Classification: Pathogenic for Hereditary breast and ovarian cancer syndrome. Last evaluated: 2018-11-05. Review status: criteria provided, single submitter. Criteria: Invitae Variant Classification Sherloc (09022015). Collection method: clinical testing. Allele origin: germline.
Comment: This variant is a deletion of the genomic region encompassing part of exon 23 (c.5503_*1416del) of the BRCA1 gene. While this deletion is not anticipated to result in nonsense mediated decay, it is expected to create a truncated protein product. While this variant has not been reported in the literature in individuals with BRCA1-related disease, similar deletions of exon 23 have been reported in individuals with a personal or family history of breast and ovarian cancer (PMID:Â¬â€ 18431737,Â¬â€ 24825132, 25428789). A deletion of exon 23 is also known as a deletion of exon 24 in the literature. This deletion is expected to partially remove the C-terminal BRCT domain of the BRCA1 protein, which is important for DNA repair activity (PMID: 14576433, 15133503). A different deleterious variant (p.Tyr1853*) within the deleted sequence of this variant has been shown to disrupt BRCA1 protein function (PMID: 8942979, 20681793, 10811118, 11256609, 17308087), suggesting that although this particular variant may not result in nonsense mediated decay, it is expected to affect BRCA1 protein function. For these reasons, this variant has been classified as Pathogenic.

Literature cited by the submitters: PubMed 20681793; PubMed 17308087; PubMed 8942979; PubMed 14576433; PubMed 10811118; PubMed 11256609; PubMed 15133503.